The following is an entry in ClinVar:

ClinVar aggregate classification (germline): Conflicting classifications of pathogenicity. Review status: criteria provided, conflicting classifications (1 of 4 stars). 4 submissions from 4 submitters: Pathogenic (1); Likely pathogenic (2); Uncertain significance (1). Last evaluated 2025-08-04.

Conditions:
Mucopolysaccharidosis, MPS-IV-A (MPS4A). Also called: MORQUIO SYNDROME A; MPS IVA; GALACTOSAMINE-6-SULFATASE DEFICIENCY; GALNS DEFICIENCY; MORQUIO A DISEASE; mucopolysaccharidosis type 4A. Identifiers: Orphanet 309297, Orphanet 582, MedGen C0086651, MONDO:0009659, OMIM 253000.

Allele frequency attached by ClinVar (database versions not stated): gnomAD exomes below 0.00001.
gnomAD v4.1: 25 of 1,613,998 alleles (0.0015%); highest among the groups gnomAD compares: Non-Finnish European, 0.0021%; no homozygotes.

Submissions (4):

Labcorp Genetics (formerly Invitae), Labcorp
Classification: Pathogenic for Mucopolysaccharidosis, MPS-IV-A. Last evaluated: 2025-08-04. Review status: criteria provided, single submitter. Criteria: Invitae Variant Classification Sherloc (09022015). Collection method: clinical testing. Allele origin: germline.
Comment: This sequence change replaces phenylalanine, which is neutral and non-polar, with cysteine, which is neutral and slightly polar, at codon 156 of the GALNS protein (p.Phe156Cys). This variant is present in population databases (no rsID available, gnomAD no frequency). This missense change has been observed in individual(s) with mucopolysaccharidosis type IVA (PMID: 9521421; internal data). ClinVar contains an entry for this variant (Variation ID: 623188). Invitae Evidence Modeling of protein sequence and biophysical properties (such as structural, functional, and spatial information, amino acid conservation, physicochemical variation, residue mobility, and thermodynamic stability) indicates that this missense variant is expected to disrupt GALNS protein function with a positive predictive value of 95%. This variant disrupts the p.Phe156 amino acid residue in GALNS. Other variant(s) that disrupt this residue have been determined to be pathogenic (PMID: 24726177; internal data). This suggests that this residue is clinically significant, and that variants that disrupt this residue are likely to be disease-causing. For these reasons, this variant has been classified as Pathogenic.

Genome-Nilou Lab
Classification: Likely pathogenic for Mucopolysaccharidosis, MPS-IV-A. Last evaluated: 2021-11-07. Review status: criteria provided, single submitter. Criteria: ACMG Guidelines, 2015. Collection method: clinical testing. Allele origin: germline. Affected: no.

Laboratory of Diagnosis and Therapy of Lysosomal Disorders, University of Padova
Classification: Uncertain significance for Mucopolysaccharidosis, MPS-IV-A. Last evaluated: 2021-02-01. Review status: criteria provided, single submitter. Criteria: ACMG Guidelines, 2015. Collection method: curation. Allele origin: germline. Affected: yes.
Comment: The prevalence of the variant in affected individuals is significantly increased compared with the prevalence in controls (PS4_moderate); very low frequency in gnomAD v2.1.1 (PM2_moderate); multiple lines of computational evidence support a deleterious effect on the gene (PP3_supporting)

Molecular Diagnostics Laboratory, M Health Fairview: University of Minnesota
Classification: Likely pathogenic for Mucopolysaccharidosis, MPS-IV-A. Last evaluated: 2018-11-14. Review status: criteria provided, single submitter. Criteria: ACMG Guidelines, 2015. Collection method: clinical testing. Allele origin: germline. Affected: yes. Observed: 1 variant allele.

Literature cited by the submitters: PubMed 9521421 (cited by 3 submitters); PubMed 24726177 (cited by Labcorp Genetics (formerly Invitae), Labcorp and Laboratory of Diagnosis and Therapy of Lysosomal Disorders, University of Padova); PubMed 34387910 (cited by Laboratory of Diagnosis and Therapy of Lysosomal Disorders, University of Padova); PubMed 22940367 (cited by Molecular Diagnostics Laboratory, M Health Fairview: University of Minnesota); PubMed 10814710 (cited by Molecular Diagnostics Laboratory, M Health Fairview: University of Minnesota); PubMed 16837223 (cited by Molecular Diagnostics Laboratory, M Health Fairview: University of Minnesota).

NM_000512.5(GALNS):c.467T>G (p.Phe156Cys)

Gene: GALNS (galactosamine (N-acetyl)-6-sulfatase; minus strand). Cytogenetic location: 16q24.3.
Variant type: single nucleotide variant.
Coding change: c.467T>G on transcript NM_000512.5 (MANE Select); coding-DNA position 467, T replaced by G.
Protein change: p.Phe156Cys; replaces phenylalanine 156 with cysteine.
Molecular consequence: missense variant. On other transcripts: 5 prime UTR variant (1).
Genome position (GRCh38, 1-based): chr16:88,837,721, A>C on the plus strand (T>G on the coding strand, the complement: GALNS is on the minus strand). VCF-style: chr16-88837721-A-C. GRCh37 (hg19) VCF-style: chr16-88904129-A-C.
Other names: c.-89T>G (NM_001323543.2); c.485T>G, p.Phe162Cys (NM_001323544.2); short protein forms F156C, F162C.
Identifiers: ClinVar variation 623188 (VCV000623188.13), dbSNP rs1301146300, ClinGen allele CA397083306.
Genomic context (GRCh38, chr16:88,837,721, plus strand): 5'-GGCCTGGCCTTGTTGTCATAAGGTCCAAAGTGGCAGTTGGGGGATCCAAACCACTCATCA[A>C]ATCCGTGCTTCAGGGGGTGGAACTGGGGCCTGTGACCCAGATGCCTGGAAACAGGAACCC-3'
Protein context (NP_000503.1, residues 146-166): RPQFHPLKHG[Phe156Cys]DEWFGSPNCH